The following is an entry in ClinVar:

ClinVar aggregate classification (germline): Uncertain significance (1 of 4 stars; one submission).

Conditions:
Hereditary cancer-predisposing syndrome. Also called: Neoplastic Syndromes, Hereditary; Tumor predisposition; Hereditary Cancer Syndrome; Hereditary neoplastic syndrome. Identifiers: Orphanet 140162, MedGen C0027672, MeSH D009386, MONDO:0015356.

Submission:

Ambry Genetics
Classification: Uncertain significance for Hereditary cancer-predisposing syndrome. Last evaluated: 2026-02-25. Review status: criteria provided, single submitter. Criteria: Ambry Variant Classification Scheme 2023. Collection method: clinical testing. Allele origin: germline.
Comment: The p.I1497M variant (also known as c.4491T>G), located in coding exon 30 of the SMARCA4 gene, results from a T to G substitution at nucleotide position 4491. The isoleucine at codon 1497 is replaced by methionine, an amino acid with highly similar properties. This amino acid position is conserved. In addition, this alteration is predicted to be tolerated by in silico analysis. Based on the available evidence, the clinical significance of this variant remains unclear.

NM_003072.5(SMARCA4):c.4395T>G (p.Ile1465Met)

Gene: SMARCA4 (SWI/SNF related BAF chromatin remodeling complex subunit ATPase 4; plus strand). Cytogenetic location: 19p13.2.
Variant type: single nucleotide variant.
Coding change: c.4395T>G on transcript NM_003072.5 (MANE Select); coding-DNA position 4395, T replaced by G.
Protein change: p.Ile1465Met; replaces isoleucine 1465 with methionine.
Molecular consequence: missense variant. On other transcripts: non-coding transcript variant (1).
Genome position (GRCh38, 1-based): chr19:11,041,531, T>G. VCF-style: chr19-11041531-T-G. GRCh37 (hg19) VCF-style: chr19-11152207-T-G.
Other names: c.4395T>G, p.Ile1465Met (NM_001128844.3); c.4305T>G, p.Ile1435Met (NM_001128845.2, NM_001128846.2); c.4296T>G, p.Ile1432Met (NM_001128847.4, NM_001128848.2, NM_001374457.1); c.4491T>G, p.Ile1497Met (NM_001128849.3, NM_001387283.1); c.4392T>G, p.Ile1464Met (NM_001411150.1); short protein forms I1432M, I1497M, I1464M, I1435M, I1465M.
Identifiers: ClinVar variation 4827327 (VCV004827327.1).